The following is an entry in ClinVar:

NM_001035.3(RYR2):c.4580T>G (p.Leu1527Arg)

Gene: RYR2 (ryanodine receptor 2; plus strand). Cytogenetic location: 1q43.
Variant type: single nucleotide variant.
Coding change: c.4580T>G on transcript NM_001035.3 (MANE Select); coding-DNA position 4580, T replaced by G.
Protein change: p.Leu1527Arg; replaces leucine 1527 with arginine.
Molecular consequence: missense variant.
Genome position (GRCh38, 1-based): chr1:237,595,641, T>G. VCF-style: chr1-237595641-T-G. GRCh37 (hg19) VCF-style: chr1-237758941-T-G.
Other names: c.4580T>G (NM_001035.2); short protein forms L1527R.
Identifiers: ClinVar variation 3070039 (VCV003070039.2), dbSNP rs2546655838, ClinGen allele CA345400711.

ClinVar aggregate classification (germline): Uncertain significance. Review status: criteria provided, multiple submitters, no conflicts (2 of 4 stars). 2 submissions from 2 submitters: Uncertain significance (2). Last evaluated 2024-03-12.

Conditions:
Catecholaminergic polymorphic ventricular tachycardia (CVPT). Also called: Catecholamine-induced polymorphic ventricular tachycardia. Identifiers: Orphanet 3286, MedGen C5574922, MONDO:0017990.
Cardiovascular phenotype. Identifiers: MedGen CN230736.

Submissions (2):

Ambry Genetics
Classification: Uncertain significance for Cardiovascular phenotype. Last evaluated: 2024-03-12. Review status: criteria provided, single submitter. Criteria: Ambry Variant Classification Scheme 2023. Collection method: clinical testing. Allele origin: germline.
Comment: The p.L1527R variant (also known as c.4580T>G), located in coding exon 34 of the RYR2 gene, results from a T to G substitution at nucleotide position 4580. The leucine at codon 1527 is replaced by arginine, an amino acid with dissimilar properties. This amino acid position is well conserved in available vertebrate species. In addition, this alteration is predicted to be deleterious by in silico analysis. Based on the available evidence, the clinical significance of this alteration remains unclear.

All of Us Research Program, National Institutes of Health
Classification: Uncertain significance for Catecholaminergic polymorphic ventricular tachycardia. Last evaluated: 2023-04-27. Review status: criteria provided, single submitter. Criteria: ACMG Guidelines, 2015. Collection method: clinical testing. Allele origin: germline. Inheritance: Autosomal dominant inheritance. Observed: 1 variant allele, 1 heterozygote.
Comment: This study involves interpretation of variants in research participants for the purpose of population health screening. Participant phenotype was not available at the time of variant classification. Additional details can be found in publication PMID: 35346344, PMCID: PMC8962531